The following is an entry in ClinVar:

ClinVar aggregate classification (germline): Uncertain significance. Review status: criteria provided, single submitter (1 of 4 stars). 2 submissions from 2 submitters: Uncertain significance (1). 1 of the submissions does not count toward it. Last evaluated 2024-10-15.

Conditions:
GLI2-related disorder. Also called: GLI2-related condition; GLI2-related disorders.

Submissions (2):

Blueprint Genetics
Classification: Uncertain significance. Last evaluated: 2024-10-15. Review status: criteria provided, single submitter. Criteria: ACMG Guidelines, 2015. Collection method: clinical testing. Allele origin: germline.

PreventionGenetics, part of Exact Sciences
Classification: Uncertain significance for GLI2-related condition. Last evaluated: 2023-12-28. Review status: no assertion criteria provided. Collection method: clinical testing. Allele origin: germline. Not counted in ClinVar's aggregate classification.
Comment: The GLI2 c.730G>C variant is predicted to result in the amino acid substitution p.Asp244His. To our knowledge, this variant has not been reported in the literature. This variant is reported in 0.00088% of alleles in individuals of European (Non-Finnish) descent in gnomAD. At this time, the clinical significance of this variant is uncertain due to the absence of conclusive functional and genetic evidence.

NM_001374353.1(GLI2):c.730G>C (p.Asp244His)

Gene: GLI2 (GLI family zinc finger 2; plus strand). Cytogenetic location: 2q14.2.
Variant type: single nucleotide variant.
Coding change: c.730G>C on transcript NM_001374353.1 (MANE Select); coding-DNA position 730, G replaced by C.
Protein change: p.Asp244His; replaces aspartic acid 244 with histidine.
Molecular consequence: missense variant.
Genome position (GRCh38, 1-based): chr2:120,968,800, G>C. VCF-style: chr2-120968800-G-C. GRCh37 (hg19) VCF-style: chr2-121726376-G-C.
Other names: c.730G>C, p.Asp244His (NM_001371271.1, NM_005270.5); c.355G>C, p.Asp119His (NM_001374354.1); short protein forms D119H, D244H.
Identifiers: ClinVar variation 3032803 (VCV003032803.3), dbSNP rs1246514029, ClinGen allele CA348165864.